The following is an entry in ClinVar:

NM_001364905.1(LRBA):c.3675_3678del (p.Ile1225fs)

Gene: LRBA (LPS responsive beige-like anchor protein; minus strand). Cytogenetic location: 4q31.3.
Variant type: Microsatellite.
Coding change: c.3675_3678del on transcript NM_001364905.1 (MANE Select); coding-DNA positions 3675 to 3678, 4 bases deleted (TAAT; older notation c.3675_3678delTAAT).
Protein change: p.Ile1225fs; shifts the reading frame from isoleucine 1225.
Molecular consequence: frameshift variant.
Genome position (GRCh38, 1-based): chr4:150,852,032-150,852,035, ATTA deleted on the plus strand (TAAT on the coding strand, the reverse complement: LRBA is on the minus strand); deleting any 4 consecutive bases within chr4:150,852,032-150,852,042 gives the same sequence; the c. name uses the placement nearest the transcript's 3' end. VCF-style (leftmost placement, unchanged base first): chr4-150852031-CATTA-C. GRCh37 (hg19) VCF-style: chr4-151773183-CATTA-C.
Other names: c.3668_3671AATT[1], p.Ile1225Metfs (NM_001199282.3, NM_006726.5); c.3675_3678del, p.Ile1225fs (NM_001367550.1); short protein forms I1225fs.
Identifiers: ClinVar variation 3658812 (VCV003658812.2).

ClinVar aggregate classification (germline): Pathogenic (1 of 4 stars; one submission).

Conditions:
Combined immunodeficiency due to LRBA deficiency. Also called: Common variable immunodeficiency 8, with autoimmunity. Identifiers: Orphanet 445018, MedGen C3553512, MONDO:0013863, OMIM 614700.

Submission:

Labcorp Genetics (formerly Invitae), Labcorp
Classification: Pathogenic for Combined immunodeficiency due to LRBA deficiency. Last evaluated: 2024-07-13. Review status: criteria provided, single submitter. Criteria: Invitae Variant Classification Sherloc (09022015). Collection method: clinical testing. Allele origin: germline.
Comment: This sequence change creates a premature translational stop signal (p.Ile1225Metfs*33) in the LRBA gene. It is expected to result in an absent or disrupted protein product. Loss-of-function variants in LRBA are known to be pathogenic (PMID: 26206937, 26768763). This variant is not present in population databases (gnomAD no frequency). This variant has not been reported in the literature in individuals affected with LRBA-related conditions. For these reasons, this variant has been classified as Pathogenic.

Literature cited by the submitters: PubMed 26206937; PubMed 26768763.